The following is an entry in ClinVar:

NM_018129.4(PNPO):c.471C>A (p.Tyr157Ter)

Gene: PNPO (pyridoxamine 5'-phosphate oxidase; plus strand). Cytogenetic location: 17q21.32.
Variant type: single nucleotide variant.
Coding change: c.471C>A on transcript NM_018129.4 (MANE Select); coding-DNA position 471, C replaced by A.
Protein change: p.Tyr157Ter; replaces tyrosine 157 with a stop codon.
Molecular consequence: nonsense.
Genome position (GRCh38, 1-based): chr17:47,945,914, C>A. VCF-style: chr17-47945914-C-A. GRCh37 (hg19) VCF-style: chr17-46023280-C-A.
Other names: p.Y157*:TAC>TAA; short protein forms Y157*.
Identifiers: ClinVar variation 206442 (VCV000206442.47), dbSNP rs148597698, ClinGen allele CA316550.
Genomic context (GRCh38, chr17:47,945,914, plus strand): 5'-TGAGCAGGTGCGTGTGGAAGGCCCTGTGAAGAAACTGCCTGAGGAGGAGGCTGAGTGCTA[C>A]TTCCACTCCCGCCCCAAGAGCAGCCAGATTGGGGCTGTGGTCAGCCACCAGAGTTCTGTG-3'

ClinVar aggregate classification (germline): Pathogenic/Likely pathogenic. Review status: criteria provided, multiple submitters, no conflicts (2 of 4 stars). 5 submissions from 5 submitters: Pathogenic (2); Likely pathogenic (3). Last evaluated 2025-05-27.

Conditions:
PNPO-related disorder. Also called: PNPO-related condition; PNPO-related disorders.
Pyridoxal phosphate-responsive seizures (PNPOD). Also called: Pyridoxal 5'-Phosphate (PLP)-Dependent Epilepsy; EPILEPTIC ENCEPHALOPATHY, NEONATAL, PNPO-RELATED; Pyridoxamine 5-Prime-Phosphate Oxidase Deficiency; Pyridoxine-5'-phosphate oxidase deficiency; SEIZURES, PYRIDOXINE-RESISTANT, PLP-SENSITIVE. Identifiers: Orphanet 79096, MedGen C1864723, MONDO:0012407, OMIM 610090. Disease mechanism: loss of function.

Allele frequency attached by ClinVar (database versions not stated): ExAC 0.00001; gnomAD 0.00001; gnomAD exomes 0.00001; 1000 Genomes Project 30x 0.00016; 1000 Genomes Project 0.00020.
gnomAD v4.1: 17 of 1,613,950 alleles (0.0011%); highest among the groups gnomAD compares: Middle Eastern, 0.017%; no homozygotes.

Submissions (5):

Labcorp Genetics (formerly Invitae), Labcorp
Classification: Pathogenic for Pyridoxal phosphate-responsive seizures. Last evaluated: 2025-05-27. Review status: criteria provided, single submitter. Criteria: Invitae Variant Classification Sherloc (09022015). Collection method: clinical testing. Allele origin: germline.
Comment: This sequence change creates a premature translational stop signal (p.Tyr157*) in the PNPO gene. It is expected to result in an absent or disrupted protein product. Loss-of-function variants in PNPO are known to be pathogenic (PMID: 15772097, 24645144). This variant is present in population databases (rs148597698, gnomAD 0.0009%). This variant has not been reported in the literature in individuals affected with PNPO-related conditions. ClinVar contains an entry for this variant (Variation ID: 206442). Algorithms developed to predict the effect of sequence changes on RNA splicing suggest that this variant may disrupt the consensus splice site. For these reasons, this variant has been classified as Pathogenic.

ARUP Laboratories, Molecular Genetics and Genomics, ARUP Laboratories
Classification: Likely pathogenic for Pyridoxal phosphate-responsive seizures. Last evaluated: 2025-05-16. Review status: criteria provided, single submitter. Criteria: ARUP Molecular Germline Variant Investigation Process 2024. Collection method: clinical testing. Allele origin: germline.
Comment: The PNPO c.471C>A; p.Tyr157Ter variant (rs148597698), to our knowledge, is not reported in the medical literature but is reported in ClinVar (Variation ID: 206442). This variant is only observed on two alleles in the Genome Aggregation Database (v2.1.1), indicating it is not a common polymorphism. This variant induces an early termination codon and is predicted to result in a truncated protein or mRNA subject to nonsense-mediated decay, and PNPO loss of function is a known mechanism of disease (Jiao 2023). Based on available information, this variant is considered to be likely pathogenic. References: Jiao X et al. Analysis for variable manifestations and molecular characteristics of pyridox(am)ine-5'-phosphate oxidase (PNPO) deficiency. Hum Mol Genet. 2023 May 18;32(11):1765-1771. PMID: 36106796.

Blueprint Genetics
Classification: Likely pathogenic for PNPO-related disorders. Last evaluated: 2024-08-09. Review status: criteria provided, single submitter. Criteria: ACMG Guidelines, 2015. Collection method: clinical testing. Allele origin: germline. Affected: yes. Observed: 5 variant alleles.

GeneDx
Classification: Likely pathogenic. Last evaluated: 2020-11-27. Review status: criteria provided, single submitter. Criteria: GeneDx Variant Classification Process June 2021. Collection method: clinical testing. Allele origin: germline. Affected: yes.
Comment: Nonsense variant predicted to result in protein truncation or nonsense mediated decay in a gene for which loss-of-function is a known mechanism of disease; Not observed at a significant frequency in large population cohorts (Lek et al., 2016); Has not been previously published as pathogenic or benign to our knowledge

CeGaT Center for Human Genetics Tuebingen
Classification: Pathogenic. Last evaluated: 2016-08-01. Review status: criteria provided, single submitter. Criteria: CeGaT Center For Human Genetics Tuebingen Variant Classification Criteria Version 2. Collection method: clinical testing. Allele origin: germline. Affected: yes. Observed: 1 variant allele.

Literature cited by the submitters: PubMed 15772097 (cited by Labcorp Genetics (formerly Invitae), Labcorp); PubMed 24645144 (cited by Labcorp Genetics (formerly Invitae), Labcorp).